The following is an entry in ClinVar:

NM_001042492.3(NF1):c.7335G>A (p.Val2445=)

Gene: NF1 (neurofibromin 1; plus strand). Cytogenetic location: 17q11.2.
Variant type: single nucleotide variant.
Coding change: c.7335G>A on transcript NM_001042492.3 (MANE Select); coding-DNA position 7335, G replaced by A.
Protein change: p.Val2445=; no amino-acid change (valine 2445 retained).
Molecular consequence: synonymous variant.
Genome position (GRCh38, 1-based): chr17:31,350,196, G>A. VCF-style: chr17-31350196-G-A. GRCh37 (hg19) VCF-style: chr17-29677214-G-A.
Other names: c.7272G>A, p.Val2424= (NM_000267.4).
Identifiers: ClinVar variation 826941 (VCV000826941.12), dbSNP rs1333741084, ClinGen allele CA499239149.

ClinVar aggregate classification (germline): Benign/Likely benign. Review status: criteria provided, multiple submitters, no conflicts (2 of 4 stars). 4 submissions from 4 submitters: Benign (1); Likely benign (3). Last evaluated 2026-05-21.

Conditions:
Cardiovascular phenotype. Identifiers: MedGen CN230736.
Hereditary cancer-predisposing syndrome. Also called: Tumor predisposition; Hereditary Cancer Syndrome; Hereditary neoplastic syndrome; Neoplastic Syndromes, Hereditary. Identifiers: Orphanet 140162, MedGen C0027672, MeSH D009386, MONDO:0015356.
Neurofibromatosis, type 1 (NF1). Also called: NEUROFIBROMATOSIS, TYPE I, SOMATIC; Peripheral type neurofibromatosis; VON RECKLINGHAUSEN DISEASE; Neurofibromatosis, type I. Identifiers: Orphanet 636, MedGen C0027831, MONDO:0018975, OMIM 162200. Disease mechanism: loss of function.

Allele frequency attached by ClinVar (database versions not stated): gnomAD exomes below 0.00001; TOPMed below 0.00001; gnomAD 0.00001.
gnomAD v4.1: 6 of 1,613,848 alleles (0.00037%); highest among the groups gnomAD compares: East Asian, 0.011%; no homozygotes.

Submissions (4):

Myriad Genetics, Inc.
Classification: Benign for Neurofibromatosis, type 1. Last evaluated: 2026-05-21. Review status: criteria provided, single submitter. Criteria: Myriad Autosomal Dominant, Autosomal Recessive and X-Linked Classification Criteria (2023). Collection method: clinical testing. Allele origin: unknown.
Comment: This variant is considered benign. This variant is a silent/synonymous amino acid change and it is not expected to impact splicing.

Labcorp Genetics (formerly Invitae), Labcorp
Classification: Likely benign for Neurofibromatosis, type 1. Last evaluated: 2024-10-28. Review status: criteria provided, single submitter. Criteria: Invitae Variant Classification Sherloc (09022015). Collection method: clinical testing. Allele origin: germline.

Genome-Nilou Lab
Classification: Likely benign for Neurofibromatosis, type 1. Last evaluated: 2022-03-15. Review status: criteria provided, single submitter. Criteria: ACMG Guidelines, 2015. Collection method: clinical testing. Allele origin: germline. Affected: no.

Ambry Genetics
Classification: Likely benign for Cardiovascular phenotype; Hereditary cancer-predisposing syndrome. Last evaluated: 2018-12-20. Review status: criteria provided, single submitter. Criteria: Ambry Variant Classification Scheme 2023. Collection method: clinical testing. Allele origin: germline.